The following is an entry in ClinVar:

ClinVar aggregate classification (germline): Conflicting classifications of pathogenicity. Review status: criteria provided, conflicting classifications (1 of 4 stars). 2 submissions from 2 submitters: Pathogenic (1); Uncertain significance (1). Last evaluated 2025-12-18.

Conditions:
IMPG1-related disorder. Also called: IMPG1-related condition.

Submissions (2):

PreventionGenetics, part of Exact Sciences
Classification: Uncertain significance for IMPG1-related condition. Last evaluated: 2025-12-18. Review status: criteria provided, single submitter. Criteria: ACMG Guidelines, 2015. Collection method: clinical testing. Allele origin: germline.
Comment: The IMPG1 c.17_18insT variant is predicted to result in a frameshift and premature protein termination (p.Arg6Serfs*22). To our knowledge, this variant has not been reported in the literature or a large population database (gnomAD), indicating this variant is rare. Multiple in-frame methionines (Met) occur downstream of this variant (p.51, p.57). If utilized, these may reinitiate translation. Although we suspect that this variant may be pathogenic, at this time, the clinical significance of this variant is uncertain due to the absence of conclusive functional and genetic evidence.

Labcorp Genetics (formerly Invitae), Labcorp
Classification: Pathogenic. Last evaluated: 2023-07-21. Review status: criteria provided, single submitter. Criteria: Invitae Variant Classification Sherloc (09022015). Collection method: clinical testing. Allele origin: germline.
Comment: For these reasons, this variant has been classified as Pathogenic. Algorithms developed to predict the effect of sequence changes on RNA splicing suggest that this variant may disrupt the consensus splice site. This variant has not been reported in the literature in individuals affected with IMPG1-related conditions. This variant is not present in population databases (gnomAD no frequency). This sequence change creates a premature translational stop signal (p.Arg6Serfs*22) in the IMPG1 gene. It is expected to result in an absent or disrupted protein product. Loss-of-function variants in IMPG1 are known to be pathogenic (PMID: 23993198).

Literature cited by the submitters: PubMed 23993198 (cited by Labcorp Genetics (formerly Invitae), Labcorp).

NM_001563.4(IMPG1):c.17_18insT (p.Arg6fs)

Gene: IMPG1 (interphotoreceptor matrix proteoglycan 1; minus strand). Cytogenetic location: 6q14.1.
Variant type: Insertion.
Coding change: c.17_18insT on transcript NM_001563.4 (MANE Select); coding-DNA positions 17 to 18, T inserted.
Protein change: p.Arg6fs; shifts the reading frame from arginine 6.
Molecular consequence: frameshift variant.
Genome position: GRCh38 VCF-style: chr6-76072471-T-TA. GRCh37 (hg19) VCF-style: chr6-76782188-T-TA.
Other names: c.17_18insT, p.Arg6fs (NM_001282368.2); c.17_18insT (NM_001563.3); short protein forms R6fs.
Identifiers: ClinVar variation 2879189 (VCV002879189.4), dbSNP rs2481589248, ClinGen allele CA2739273232.